The following is an entry in ClinVar:

NM_000321.3(RB1):c.1321dup (p.Ile441fs)

Gene: RB1 (RB transcriptional corepressor 1; plus strand). Cytogenetic location: 13q14.2.
Variant type: Duplication.
Coding change: c.1321dup on transcript NM_000321.3 (MANE Select); coding-DNA position 1321, one base duplicated (A; older notation c.1321dupA).
Protein change: p.Ile441fs; shifts the reading frame from isoleucine 441.
Molecular consequence: frameshift variant.
Genome position (GRCh38, 1-based): chr13:48,377,023, A duplicated; the last of 3 consecutive A bases (chr13:48,377,021-48,377,023); duplicating any one gives the same sequence. VCF-style (leftmost placement, unchanged base first): chr13-48377020-G-GA. GRCh37 (hg19) VCF-style: chr13-48951156-G-GA.
Other names: c.1321dupA (NM_000321.2); short protein forms I441fs.
Identifiers: ClinVar variation 428696 (VCV000428696.3), dbSNP rs1131690875, ClinGen allele CA645369545.

ClinVar aggregate classification (germline): Pathogenic (1 of 4 stars; one submission).

Conditions:
Hereditary cancer-predisposing syndrome. Also called: Hereditary Cancer Syndrome; Neoplastic Syndromes, Hereditary; Hereditary neoplastic syndrome; Tumor predisposition. Identifiers: Orphanet 140162, MedGen C0027672, MeSH D009386, MONDO:0015356.

Submission:

Ambry Genetics
Classification: Pathogenic for Hereditary cancer-predisposing syndrome. Last evaluated: 2014-06-03. Review status: criteria provided, single submitter. Criteria: Ambry Autosomal Dominant and X-Linked criteria (10/2015). Collection method: clinical testing. Allele origin: germline. Observed: 1 variant allele.
Comment: Ã¢â‚¬â€¹<span style="background-color: initial;">The c.1321dupA pathogenic mutation, located in coding exon 13 of the RB1 gene, results from a duplication of one nucleotide at position 1321, causing a translational frameshift with a predicted alternate stop codon. Since frameshifts are typically deleterious in nature, this alteration is interpreted as a disease-causing mutation (ACMG Recommendations for Standards for Interpretation and Reporting of Sequence Variations. Revision 2007. Genet Med. 2008;10:294).